The following is an entry in ClinVar:

NM_024339.5(THOC6):c.93C>T (p.Ser31=)

Gene: THOC6 (THO complex subunit 6; plus strand). Cytogenetic location: 16p13.3.
Variant type: single nucleotide variant.
Coding change: c.93C>T on transcript NM_024339.5 (MANE Select); coding-DNA position 93, C replaced by T.
Protein change: p.Ser31=; no amino-acid change (serine 31 retained).
Molecular consequence: synonymous variant.
Genome position (GRCh38, 1-based): chr16:3,025,761, C>T. VCF-style: chr16-3025761-C-T. GRCh37 (hg19) VCF-style: chr16-3075762-C-T.
Other names: c.93C>T, p.Ser31= (NM_001142350.3, NM_001347704.2); c.21C>T, p.Ser7= (NM_001347703.2).
Identifiers: ClinVar variation 718042 (VCV000718042.5), dbSNP rs115250573, ClinGen allele CA7854848.
Genomic context (GRCh38, chr16:3,025,761, plus strand): 5'-CCTGCAGACAGAGGTGTTCCAGGCCTTGCAGCGGCTCCATATGACCATCTTCTCCCAGAG[C>T]GTCTCACCATGTGGGAAGTTTCTGGCGGCTGGCAACAATTACGGGCAGATTGCCATCTTC-3'
Protein context (NP_077315.2, residues 21-41): QRLHMTIFSQ[Ser31=]VSPCGKFLAA

ClinVar aggregate classification (germline): Likely benign. Review status: criteria provided, multiple submitters, no conflicts (2 of 4 stars). 2 submissions from 2 submitters: Likely benign (2). Last evaluated 2026-07-01.

Allele frequency attached by ClinVar (database versions not stated): 1000 Genomes Project 30x 0.00016; 1000 Genomes Project 0.00020; ExAC 0.00026; gnomAD 0.00026 and 0.00027; TOPMed 0.00026; gnomAD exomes 0.00029 and 0.00034; ESP Exome Variant Server 0.00038.
gnomAD v4.1: 525 of 1,614,240 alleles (0.033%); highest among the groups gnomAD compares: Non-Finnish European, 0.039%; no homozygotes.

Submissions (2):

CeGaT Center for Human Genetics Tuebingen
Classification: Likely benign. Last evaluated: 2026-07-01. Review status: criteria provided, single submitter. Criteria: CeGaT Center For Human Genetics Tuebingen Variant Classification Criteria Version 2. Collection method: clinical testing. Allele origin: germline. Affected: yes. Observed: 1 variant allele.
Comment: THOC6: BP4, BP7

Labcorp Genetics (formerly Invitae), Labcorp
Classification: Likely benign. Last evaluated: 2019-12-31. Review status: criteria provided, single submitter. Criteria: Invitae Variant Classification Sherloc (09022015). Collection method: clinical testing. Allele origin: germline.